The following is an entry in ClinVar:

ClinVar aggregate classification (germline): Conflicting classifications of pathogenicity. Review status: criteria provided, conflicting classifications (1 of 4 stars). 3 submissions from 3 submitters: Pathogenic (1); Uncertain significance (2). Last evaluated 2026-01-05.

Conditions:
Episodic ataxia type 2 (EA2). Also called: EPISODIC ATAXIA, NYSTAGMUS-ASSOCIATED; ACETAZOLAMIDE-RESPONSIVE HEREDITARY PAROXYSMAL CEREBELLAR ATAXIA; ATAXIA, EPISODIC, WITH NYSTAGMUS; ATAXIA, FAMILIAL PAROXYSMAL; CEREBELLAR ATAXIA, PAROXYSMAL, ACETAZOLAMIDE-RESPONSIVE; CEREBELLOPATHY, HEREDITARY PAROXYSMAL. Identifiers: Orphanet 97, MedGen C1720416, MONDO:0007163, OMIM 108500.
Developmental and epileptic encephalopathy, 42 (DEE42A). Also called: Epileptic encephalopathy, early infantile, 42; DEVELOPMENTAL AND EPILEPTIC ENCEPHALOPATHY 42A; EPILEPTIC ENCEPHALOPATHY, EARLY INFANTILE, 42A. Identifiers: MedGen C4310716, MONDO:0014917, OMIM 617106.

Submissions (3):

Labcorp Genetics (formerly Invitae), Labcorp
Classification: Pathogenic for Developmental and epileptic encephalopathy, 42; Episodic ataxia type 2. Last evaluated: 2026-01-05. Review status: criteria provided, single submitter. Criteria: Invitae Variant Classification Sherloc (09022015). Collection method: clinical testing. Allele origin: germline.
Comment: This sequence change replaces glycine, which is neutral and non-polar, with aspartic acid, which is acidic and polar, at codon 1675 of the CACNA1A protein (p.Gly1675Asp). This variant is not present in population databases (gnomAD no frequency). This missense change has been observed in individuals with clinical features of familial hemiplegic migraine (internal data). It has also been observed to segregate with disease in related individuals. ClinVar contains an entry for this variant (Variation ID: 1254146). Invitae Evidence Modeling of protein sequence and biophysical properties (such as structural, functional, and spatial information, amino acid conservation, physicochemical variation, residue mobility, and thermodynamic stability) indicates that this missense variant is expected to disrupt CACNA1A protein function with a positive predictive value of 95%. For these reasons, this variant has been classified as Pathogenic.

GeneDx
Classification: Uncertain significance. Last evaluated: 2025-01-08. Review status: criteria provided, single submitter. Criteria: GeneDx Variant Classification Process June 2021. Collection method: clinical testing. Allele origin: germline. Affected: yes.
Comment: Has not been previously published as pathogenic or benign to our knowledge; Not observed at significant frequency in large population cohorts (gnomAD); In silico analysis supports that this missense variant has a deleterious effect on protein structure/function

Blueprint Genetics
Classification: Uncertain significance. Last evaluated: 2018-11-22. Review status: criteria provided, single submitter. Criteria: ACMG Guidelines, 2015. Collection method: clinical testing. Allele origin: germline.

NM_001127222.2(CACNA1A):c.5021G>A (p.Gly1674Asp)

Gene: CACNA1A (calcium voltage-gated channel subunit alpha1 A; minus strand). Cytogenetic location: 19p13.13.
Variant type: single nucleotide variant.
Coding change: c.5021G>A on transcript NM_001127222.2 (MANE Select); coding-DNA position 5021, G replaced by A.
Protein change: p.Gly1674Asp; replaces glycine 1674 with aspartic acid.
Molecular consequence: missense variant.
Genome position (GRCh38, 1-based): chr19:13,235,660, C>T on the plus strand (G>A on the coding strand, the complement: CACNA1A is on the minus strand). VCF-style: chr19-13235660-C-T. GRCh37 (hg19) VCF-style: chr19-13346474-C-T.
Other names: c.5039G>A, p.Gly1680Asp (NM_000068.4, NM_023035.3); c.5024G>A, p.Gly1675Asp (NM_001127221.2); c.5030G>A, p.Gly1677Asp (NM_001174080.2); short protein forms G1674D, G1675D, G1677D, G1680D.
Identifiers: ClinVar variation 1254146 (VCV001254146.7), dbSNP rs895744093, ClinGen allele CA305517370.
Genomic context (GRCh38, chr19:13,235,660, plus strand): 5'-GGACGAGGACTCACCTTGAAGGACTGCACAAAGGTCCAGAGAAGAATGCGGATGGTGTAA[C>T]CCTGACGGAGAAGTTTGATGAGCCGGGCAGCTCGGAAGAGGCGGAGAAAGCTCAGGTTGA-3'
Protein context (NP_001120694.1, residues 1664-1684): AARLIKLLRQ[Gly1674Asp]YTIRILLWTF